The following is an entry in ClinVar:

NM_004393.6(DAG1):c.1621C>T (p.Arg541Trp)

Gene: DAG1 (dystroglycan 1; plus strand). Cytogenetic location: 3p21.31.
Variant type: single nucleotide variant.
Coding change: c.1621C>T on transcript NM_004393.6 (MANE Select); coding-DNA position 1621, C replaced by T.
Protein change: p.Arg541Trp; replaces arginine 541 with tryptophan.
Molecular consequence: missense variant.
Genome position (GRCh38, 1-based): chr3:49,532,132, C>T. VCF-style: chr3-49532132-C-T. GRCh37 (hg19) VCF-style: chr3-49569565-C-T.
Other names: c.1621C>T, p.Arg541Trp (NM_001177642.3, NM_001177643.3, NM_001177644.3 and 9 more transcripts); short protein forms R541W.
Identifiers: ClinVar variation 1521070 (VCV001521070.6), dbSNP rs944959231, ClinGen allele CA74522300.
Genomic context (GRCh38, chr3:49,532,132, plus strand): 5'-GACACTTTCTATGACCATGAGGACACCACCACTGACAAGCTGAAGCTGACCCTGAAACTG[C>T]GGGAGCAGCAGCTGGTGGGCGAGAAGTCCTGGGTACAGTTCAACAGCAACAGCCAGCTCA-3'
Protein context (NP_004384.5, residues 531-551): TDKLKLTLKL[Arg541Trp]EQQLVGEKSW

ClinVar aggregate classification (germline): Uncertain significance (1 of 4 stars; one submission).

Conditions:
Autosomal recessive limb-girdle muscular dystrophy type 2P. Also called: MUSCULAR DYSTROPHY-DYSTROGLYCANOPATHY, LIMB-GIRDLE, DAG1-RELATED; Limb-Girdle Muscular Dystrophy Type 9C; MUSCULAR DYSTROPHY, LIMB-GIRDLE, TYPE 2P. Identifiers: Orphanet 280333, MedGen C4511963, MONDO:0013440, OMIM 613818.
Muscular dystrophy-dystroglycanopathy (congenital with brain and eye anomalies), type A9. Also called: WALKER-WARBURG SYNDROME OR MUSCLE-EYE BRAIN DISEASE, DAG1-RELATED; Muscular dystrophy-dystroglycanopathy (congenital with brain and eye anomalies), type a, 9. Identifiers: Orphanet 370997, Orphanet 899, MedGen C4225291, MONDO:0014683, OMIM 616538.

Allele frequency attached by ClinVar (database versions not stated): gnomAD exomes below 0.00001 and 0.00002; gnomAD 0.00001.

Submission:

Labcorp Genetics (formerly Invitae), Labcorp
Classification: Uncertain significance for Autosomal recessive limb-girdle muscular dystrophy type 2P; Muscular dystrophy-dystroglycanopathy (congenital with brain and eye anomalies), type A9. Last evaluated: 2021-11-11. Review status: criteria provided, single submitter. Criteria: Invitae Variant Classification Sherloc (09022015). Collection method: clinical testing. Allele origin: germline.
Comment: Algorithms developed to predict the effect of missense changes on protein structure and function are either unavailable or do not agree on the potential impact of this missense change (SIFT: "Deleterious"; PolyPhen-2: "Probably Damaging"; Align-GVGD: "Class C0"). This variant has not been reported in the literature in individuals affected with DAG1-related conditions. The frequency data for this variant in the population databases is considered unreliable, as metrics indicate poor data quality at this position in the gnomAD database. This sequence change replaces arginine, which is basic and polar, with tryptophan, which is neutral and slightly polar, at codon 541 of the DAG1 protein (p.Arg541Trp). In summary, the available evidence is currently insufficient to determine the role of this variant in disease. Therefore, it has been classified as a Variant of Uncertain Significance.